The following is an entry in ClinVar:

ClinVar aggregate classification (germline): Uncertain significance (1 of 4 stars; one submission).

Conditions:
Malignant hyperthermia, susceptibility to, 1 (MHS1). Also called: Anesthesia related hyperthermia; Malignant hyperpyrexia; Fulminating hyperpyrexia; Pharmacogenic myopathy; RYR1-Related Malignant Hyperthermia Susceptibility; Malignant hyperthermia suceptibility 1. Identifiers: Orphanet 423, MedGen C2930980, MONDO:0007783, OMIM 145600.

Submission:

All of Us Research Program, National Institutes of Health
Classification: Uncertain significance for Malignant hyperthermia, susceptibility to, 1. Last evaluated: 2023-11-20. Review status: criteria provided, single submitter. Criteria: ACMG Guidelines, 2015. Collection method: clinical testing. Allele origin: germline. Inheritance: Autosomal dominant inheritance. Observed: 1 variant allele, 1 heterozygote.
Comment: This missense variant replaces cysteine with arginine at codon 2651 of the RYR1 protein. Computational prediction suggests that this variant may have deleterious impact on protein structure and function (internally defined REVEL score threshold >= 0.7, PMID: 27666373). To our knowledge, functional studies have not been reported for this variant. This variant has not been reported in individuals affected with RYR1-related disorders in the literature. This variant has not been identified in the general population by the Genome Aggregation Database (gnomAD). The available evidence is insufficient to determine the role of this variant in disease conclusively. Therefore, this variant is classified as a Variant of Uncertain Significance.

This study involves interpretation of variants in research participants for the purpose of population health screening. Participant phenotype was not available at the time of variant classification. Additional details can be found in publication PMID: 35346344, PMCID: PMC8962531

NM_000540.3(RYR1):c.7951T>C (p.Cys2651Arg)

Gene: RYR1 (ryanodine receptor 1; plus strand). Cytogenetic location: 19q13.2.
Variant type: single nucleotide variant.
Coding change: c.7951T>C on transcript NM_000540.3 (MANE Select); coding-DNA position 7951, T replaced by C.
Protein change: p.Cys2651Arg; replaces cysteine 2651 with arginine.
Molecular consequence: missense variant.
Genome position (GRCh38, 1-based): chr19:38,504,244, T>C. VCF-style: chr19-38504244-T-C. GRCh37 (hg19) VCF-style: chr19-38994884-T-C.
Other names: c.7951T>C, p.Cys2651Arg (NM_001042723.2); short protein forms C2651R.
Identifiers: ClinVar variation 3074593 (VCV003074593.1), dbSNP rs2514351194, ClinGen allele CA405675519.